The following is an entry in ClinVar:

ClinVar aggregate classification (germline): Uncertain significance (1 of 4 stars; one submission).

Conditions:
Hereditary cancer-predisposing syndrome. Also called: Tumor predisposition; Hereditary Cancer Syndrome; Hereditary neoplastic syndrome; Neoplastic Syndromes, Hereditary. Identifiers: Orphanet 140162, MedGen C0027672, MeSH D009386, MONDO:0015356.

Submission:

Ambry Genetics
Classification: Uncertain significance for Hereditary cancer-predisposing syndrome. Last evaluated: 2024-04-08. Review status: criteria provided, single submitter. Criteria: Ambry Variant Classification Scheme 2023. Collection method: clinical testing. Allele origin: germline.
Comment: The p.E336V variant (also known as c.1007A>T), located in coding exon 7 of the DICER1 gene, results from an A to T substitution at nucleotide position 1007. The glutamic acid at codon 336 is replaced by valine, an amino acid with dissimilar properties. This amino acid position is conserved. In addition, the in silico prediction for this alteration is inconclusive. Based on the available evidence, the clinical significance of this variant remains unclear.

NM_177438.3(DICER1):c.1007A>T (p.Glu336Val)

Gene: DICER1 (dicer 1, ribonuclease III; minus strand). Cytogenetic location: 14q32.13.
Variant type: single nucleotide variant.
Coding change: c.1007A>T on transcript NM_177438.3 (MANE Select); coding-DNA position 1007, A replaced by T.
Protein change: p.Glu336Val; replaces glutamic acid 336 with valine.
Molecular consequence: missense variant. On other transcripts: 5 prime UTR variant (1), non-coding transcript variant (6).
Genome position (GRCh38, 1-based): chr14:95,124,565, T>A on the plus strand (A>T on the coding strand, the complement: DICER1 is on the minus strand). VCF-style: chr14-95124565-T-A. GRCh37 (hg19) VCF-style: chr14-95590902-T-A.
Other names: c.1007A>T, p.Glu336Val (NM_001195573.1, NM_001271282.3, NM_001291628.2 and 14 more transcripts); c.725A>T, p.Glu242Val (NM_001395686.1); c.602A>T, p.Glu201Val (NM_001395687.1, NM_001395688.1, NM_001395689.1 and 3 more transcripts); c.440A>T, p.Glu147Val (NM_001395691.1); c.-562A>T (NM_001395697.1); short protein forms E201V, E147V, E242V, E336V.
Identifiers: ClinVar variation 3271999 (VCV003271999.1).